The following is an entry in ClinVar:

NM_000053.4(ATP7B):c.2530A>T (p.Lys844Ter)

Gene: ATP7B (ATPase copper transporting beta; minus strand). Cytogenetic location: 13q14.3.
Variant type: single nucleotide variant.
Coding change: c.2530A>T on transcript NM_000053.4 (MANE Select); coding-DNA position 2530, A replaced by T.
Protein change: p.Lys844Ter; replaces lysine 844 with a stop codon.
Molecular consequence: nonsense.
Genome position (GRCh38, 1-based): chr13:51,950,317, T>A on the plus strand (A>T on the coding strand, the complement: ATP7B is on the minus strand). VCF-style: chr13-51950317-T-A. GRCh37 (hg19) VCF-style: chr13-52524453-T-A.
Other names: c.2044A>T, p.Lys682Ter (NM_001005918.3); c.2197A>T, p.Lys733Ter (NM_001243182.2); c.2296A>T, p.Lys766Ter (NM_001330578.2); c.2278A>T, p.Lys760Ter (NM_001330579.2); short protein forms K682*, K733*, K760*, K766*, K844*.
Identifiers: ClinVar variation 983752 (VCV000983752.4), dbSNP rs780292767, ClinGen allele CA6988982.

ClinVar aggregate classification (germline): Likely pathogenic. Review status: criteria provided, multiple submitters, no conflicts (2 of 4 stars). 2 submissions from 2 submitters: Likely pathogenic (2). Last evaluated 2024-05-09.

Conditions:
Wilson disease (WND). Also called: Wilson's disease. Identifiers: Orphanet 905, MedGen C0019202, MONDO:0010200, OMIM 277900. Disease mechanism: loss of function.

Allele frequency attached by ClinVar (database versions not stated): gnomAD exomes 0.00001; ExAC 0.00002.
gnomAD v4.1: 11 of 1,614,138 alleles (0.00068%); highest among the groups gnomAD compares: Non-Finnish European, 0.00093%; no homozygotes.

Submissions (2):

All of Us Research Program, National Institutes of Health
Classification: Likely pathogenic for Wilson disease. Last evaluated: 2024-05-09. Review status: criteria provided, single submitter. Criteria: ACMG Guidelines, 2015. Collection method: clinical testing. Allele origin: germline. Inheritance: Autosomal recessive inheritance. Observed: 1 variant allele, 1 heterozygote.
Comment: This study involves interpretation of variants in research participants for the purpose of population health screening. Participant phenotype was not available at the time of variant classification. Additional details can be found in publication PMID: 35346344, PMCID: PMC8962531

Myriad Genetics, Inc.
Classification: Likely pathogenic for Wilson disease. Last evaluated: 2019-08-04. Review status: criteria provided, single submitter. Criteria: Myriad Women's Health Autosomal Recessive and X-Linked Classification Criteria (2019). Collection method: clinical testing. Allele origin: unknown.
Comment: NM_000053.3(ATP7B):c.2530A>T(K844*) is expected to be pathogenic in the context of Wilson disease. This variant is predicted to lead to an abnormal or absent protein product due to the creation of a premature termination codon in ATP7B, a gene where loss-of-function variants are known to be pathogenic. Please note: this variant was assessed in the context of healthy population screening.